The following is an entry in ClinVar:

ClinVar aggregate classification (germline): Conflicting classifications of pathogenicity. Review status: criteria provided, conflicting classifications (1 of 4 stars). 8 submissions from 7 submitters: Likely pathogenic (1); Uncertain significance (6). 1 of the submissions does not count toward it. Last evaluated 2026-06-10.

Conditions:
Patterned dystrophy of the retinal pigment epithelium (MDPT1). Identifiers: Orphanet 63454, MedGen C1868569, MONDO:0018973.
PRPH2-related disorder. Also called: PRPH2-related condition; PRPH2-related disorders. Identifiers: MedGen CN239395.
Stargardt disease (FFM). Also called: Stargardt's disease; Fundus flavimaculatus. Identifiers: Orphanet 827, MedGen C0271093, MONDO:0019353.

Allele frequency attached by ClinVar (database versions not stated): gnomAD exomes 0.00003 and 0.00007; gnomAD 0.00004; ExAC 0.00005; TOPMed 0.00007.
gnomAD v4.1: 63 of 1,614,076 alleles (0.0039%); highest among the groups gnomAD compares: Non-Finnish European, 0.0012%; no homozygotes.

Submissions (8):

PreventionGenetics, part of Exact Sciences
Classification: Uncertain significance for PRPH2-related condition. Last evaluated: 2026-06-10. Review status: criteria provided, single submitter. Criteria: ACMG Guidelines, 2015. Collection method: clinical testing. Allele origin: germline.
Comment: The PRPH2 c.271T>A variant is predicted to result in the amino acid substitution p.Tyr91Asn. This variant has been reported in the heterozygous state in two individuals with retinal disease (Table S1, Liu et al. 2024. PubMed ID: 39127396). This variant has been reported along with the same frameshift variant in PRPH2 in four individuals with retinal disease, pattern dystrophy, or Stargardt disease (Table S2, Reeves et al. 2020. PubMed ID: 32531846; Duncker et al. 2015. PubMed ID: 26024099); however, these two variants were likely in cis in two unrelated individuals, but were also found in two siblings (phasing unknown). This variant is reported in 0.13% of alleles in individuals of Ashkenazi Jewish descent in gnomAD, which may be too frequent to be a primary cause of disease. Another variant affecting the same amino acid position, c.271T>C, p.(Tyr91His), has been reported in the heterozygous state in individuals with cone rod dystrophy or retinal disease (Supplemental Table 1, Stone et al. 2017. PubMed ID: 28559085). At this time, the clinical significance of the p.Tyr91Asn variant is uncertain due to the absence of conclusive functional and genetic evidence.

Labcorp Genetics (formerly Invitae), Labcorp
Classification: Uncertain significance for PRPH2-related disorder. Last evaluated: 2025-10-26. Review status: criteria provided, single submitter. Criteria: Invitae Variant Classification Sherloc (09022015). Collection method: clinical testing. Allele origin: germline.
Comment: This sequence change replaces tyrosine, which is neutral and polar, with asparagine, which is neutral and polar, at codon 91 of the PRPH2 protein (p.Tyr91Asn). This variant is present in population databases (rs747893076, gnomAD 0.1%). This missense change has been observed in individual(s) with PRPH2-related disease (PMID: 25082885, 26024099, 32531846, 39127396). ClinVar contains an entry for this variant (Variation ID: 193083). Invitae Evidence Modeling of protein sequence and biophysical properties (such as structural, functional, and spatial information, amino acid conservation, physicochemical variation, residue mobility, and thermodynamic stability) has been performed for this missense variant. However, the output from this modeling did not meet the statistical confidence thresholds required to predict the impact of this variant on PRPH2 protein function. In summary, the available evidence is currently insufficient to determine the role of this variant in disease. Therefore, it has been classified as a Variant of Uncertain Significance.

Blueprint Genetics
Classification: Likely pathogenic for PRPH2-related disorders. Last evaluated: 2024-01-17. Review status: criteria provided, single submitter. Criteria: ACMG Guidelines, 2015. Collection method: clinical testing. Allele origin: germline. Affected: yes. Observed: 5 variant alleles.

GeneDx
Classification: Uncertain significance. Last evaluated: 2020-03-19. Review status: criteria provided, single submitter. Criteria: GeneDx Variant Classification Process June 2021. Collection method: clinical testing. Allele origin: germline. Affected: yes.
Comment: In silico analysis supports that this missense variant has a deleterious effect on protein structure/function; Observed with a second PRPH2 variant in a patient with pattern dystrophy in published literature, but familial segregation information and additional clinical information were not included (Alapati et al., 2014); This variant is associated with the following publications: (PMID: 32531846, 25082885)

NEI Ophthalmic Genomics Laboratory, National Institutes of Health
Classification: Uncertain significance for Patterned dystrophy of the retinal pigment epithelium. Last evaluated: 2020-01-07. Review status: criteria provided, single submitter. Criteria: ACMG Guidelines, 2015. Collection method: clinical testing. Allele origin: germline. Affected: yes.
Comment: The variant NM_000322.4:c.271T>A in the PRPH2 gene has been previously studied (PMID 25082885). We found this variant in 2 patient(s) in a PRPH2 cohort study (Reeves et al. 2020). This variant is listed in dbSNP and/or HGMD (rs747893076). It is present in gnomAD browser (AF 0.000065). It is enriched in the PRPH2 disease cohort. We invoked ACMG criteria [PS4, PM2, BP2, PP3] and classified NM_000322.4:c.271T>A in the PRPH2 gene as a Variant of Uncertain Significance.

NEI Ophthalmic Genomics Laboratory, National Institutes of Health
Classification: Uncertain significance for Stargardt disease. Last evaluated: 2020-01-07. Review status: criteria provided, single submitter. Criteria: ACMG Guidelines, 2015. Collection method: clinical testing. Allele origin: germline. Affected: yes.
Comment: the same text as in the submission from NEI Ophthalmic Genomics Laboratory, National Institutes of Health above.

Eurofins Ntd Llc (ga)
Classification: Uncertain significance. Last evaluated: 2014-11-07. Review status: criteria provided, single submitter. Criteria: EGL Classification Definitions 2015. Collection method: clinical testing. Allele origin: germline. Observed: 1 variant allele, 1 heterozygote.

Leiden Open Variation Database
Classification: Likely pathogenic. Last evaluated: 2021-04-06. Review status: no assertion criteria provided. Collection method: curation. Allele origin: germline. Affected: yes. Not counted in ClinVar's aggregate classification.
Comment: Curator: Global Variome, with Curator vacancy. Submitter to LOVD: Manon Peeters.

Literature cited by the submitters: PubMed 25082885 (cited by Labcorp Genetics (formerly Invitae), Labcorp and Leiden Open Variation Database); PubMed 26024099 (cited by Labcorp Genetics (formerly Invitae), Labcorp and Leiden Open Variation Database); PubMed 32531846 (cited by Labcorp Genetics (formerly Invitae), Labcorp and Leiden Open Variation Database); PubMed 39127396 (cited by Labcorp Genetics (formerly Invitae), Labcorp).

NM_000322.5(PRPH2):c.271T>A (p.Tyr91Asn)

Gene: PRPH2 (peripherin 2; minus strand). Cytogenetic location: 6p21.1.
Variant type: single nucleotide variant.
Coding change: c.271T>A on transcript NM_000322.5 (MANE Select); coding-DNA position 271, T replaced by A.
Protein change: p.Tyr91Asn; replaces tyrosine 91 with asparagine.
Molecular consequence: missense variant.
Genome position (GRCh38, 1-based): chr6:42,722,064, A>T on the plus strand (T>A on the coding strand, the complement: PRPH2 is on the minus strand). VCF-style: chr6-42722064-A-T. GRCh37 (hg19) VCF-style: chr6-42689802-A-T.
Other names: short protein forms Y91N.
Identifiers: ClinVar variation 193083 (VCV000193083.20), dbSNP rs747893076, ClinGen allele CA238587.